The following is an entry in ClinVar:

NM_000263.4(NAGLU):c.718C>T (p.Pro240Ser)

Gene: NAGLU (N-acetyl-alpha-glucosaminidase; plus strand). Cytogenetic location: 17q21.2.
Variant type: single nucleotide variant.
Coding change: c.718C>T on transcript NM_000263.4 (MANE Select); coding-DNA position 718, C replaced by T.
Protein change: p.Pro240Ser; replaces proline 240 with serine.
Molecular consequence: missense variant.
Genome position (GRCh38, 1-based): chr17:42,538,709, C>T. VCF-style: chr17-42538709-C-T. GRCh37 (hg19) VCF-style: chr17-40690727-C-T.
Other names: short protein forms P240S.
Identifiers: ClinVar variation 1975901 (VCV001975901.5), dbSNP rs2510653858, ClinGen allele CA399598985.

ClinVar aggregate classification (germline): Uncertain significance (1 of 4 stars; one submission).

Conditions:
Mucopolysaccharidosis, MPS-III-B (MPS3B). Also called: N-ACETYL-ALPHA-D-GLUCOSAMINIDASE DEFICIENCY; NAGLU DEFICIENCY; SANFILIPPO SYNDROME B; MPS III B; Mucopolysaccharidosis type IIIB (Sanfilippo B); MPS IIIB (Sanfilippo Syndrome Type B). Identifiers: Orphanet 79270, MedGen C0086648, MONDO:0009656, OMIM 252920.
Charcot-Marie-Tooth disease axonal type 2V. Also called: CHARCOT-MARIE-TOOTH NEUROPATHY, TYPE 2V; CHARCOT-MARIE-TOOTH DISEASE, AXONAL, AUTOSOMAL DOMINANT, TYPE 2V. Identifiers: Orphanet 447964, MedGen C5569050, MONDO:0014665, OMIM 616491.

Submission:

Labcorp Genetics (formerly Invitae), Labcorp
Classification: Uncertain significance for Charcot-Marie-Tooth disease axonal type 2V; Mucopolysaccharidosis, MPS-III-B. Last evaluated: 2022-04-22. Review status: criteria provided, single submitter. Criteria: Invitae Variant Classification Sherloc (09022015). Collection method: clinical testing. Allele origin: germline.
Comment: This sequence change replaces proline, which is neutral and non-polar, with serine, which is neutral and polar, at codon 240 of the NAGLU protein (p.Pro240Ser). This variant is not present in population databases (gnomAD no frequency). This variant has not been reported in the literature in individuals affected with NAGLU-related conditions. Advanced modeling of protein sequence and biophysical properties (such as structural, functional, and spatial information, amino acid conservation, physicochemical variation, residue mobility, and thermodynamic stability) performed at Invitae indicates that this missense variant is expected to disrupt NAGLU protein function. In summary, the available evidence is currently insufficient to determine the role of this variant in disease. Therefore, it has been classified as a Variant of Uncertain Significance.